The following is an entry in ClinVar:

ClinVar aggregate classification (germline): Uncertain significance (1 of 4 stars; one submission).

Conditions:
3-Methylglutaconic aciduria type 2 (BTHS). Also called: Barth syndrome; CARDIOSKELETAL MYOPATHY WITH NEUTROPENIA AND ABNORMAL MITOCHONDRIA. Identifiers: Orphanet 111, MedGen C0574083, MONDO:0010543, OMIM 302060.

Allele frequency attached by ClinVar (database versions not stated): gnomAD exomes 0.00001.
gnomAD v4.1: 15 of 1,209,782 alleles (0.0012%); highest among the groups gnomAD compares: Non-Finnish European, 0.0017%; no homozygotes.

Submission:

Labcorp Genetics (formerly Invitae), Labcorp
Classification: Uncertain significance for 3-Methylglutaconic aciduria type 2. Last evaluated: 2023-11-01. Review status: criteria provided, single submitter. Criteria: Invitae Variant Classification Sherloc (09022015). Collection method: clinical testing. Allele origin: germline.
Comment: This sequence change replaces histidine, which is basic and polar, with glutamine, which is neutral and polar, at codon 143 of the TAZ protein (p.His143Gln). This variant is not present in population databases (gnomAD no frequency). This variant has not been reported in the literature in individuals affected with TAZ-related conditions. ClinVar contains an entry for this variant (Variation ID: 1928568). An algorithm developed to predict the effect of missense changes on protein structure and function (PolyPhen-2) suggests that this variant is likely to be tolerated. In summary, the available evidence is currently insufficient to determine the role of this variant in disease. Therefore, it has been classified as a Variant of Uncertain Significance.

NM_000116.5(TAFAZZIN):c.429C>G (p.His143Gln)

Gene: TAFAZZIN (tafazzin, phospholipid-lysophospholipid transacylase; plus strand). Cytogenetic location: Xq28.
Variant type: single nucleotide variant.
Coding change: c.429C>G on transcript NM_000116.5 (MANE Select); coding-DNA position 429, C replaced by G.
Protein change: p.His143Gln; replaces histidine 143 with glutamine.
Molecular consequence: missense variant. On other transcripts: intron variant (2).
Genome position (GRCh38, 1-based): chrX:154,414,159, C>G. VCF-style: chrX-154414159-C-G. GRCh37 (hg19) VCF-style: chrX-153642496-C-G.
Other names: c.483C>G, p.His161Gln (NM_001303465.2); c.429C>G, p.His143Gln (NM_181312.4); c.370+592C>G (NM_181311.4, NM_181313.4); short protein forms H143Q, H161Q.
Identifiers: ClinVar variation 1928568 (VCV001928568.5), dbSNP rs2522950984, ClinGen allele CA415182594.